The following is an entry in ClinVar:

ClinVar aggregate classification (germline): Uncertain significance (1 of 4 stars; one submission).

Conditions:
Glycogen storage disease type III (GSD3). Also called: Cori disease; FORBES DISEASE. Identifiers: Orphanet 366, MedGen C0017922, MONDO:0009291, OMIM 232400.

Allele frequency attached by ClinVar (database versions not stated): gnomAD exomes below 0.00001.
gnomAD v4.1: 1 of 1,614,178 alleles (0.000062%); highest among the groups gnomAD compares: Middle Eastern, 0.016%; no homozygotes.

Submission:

Labcorp Genetics (formerly Invitae), Labcorp
Classification: Uncertain significance for Glycogen storage disease type III. Last evaluated: 2022-03-12. Review status: criteria provided, single submitter. Criteria: Invitae Variant Classification Sherloc (09022015). Collection method: clinical testing. Allele origin: germline.
Comment: This sequence change replaces isoleucine, which is neutral and non-polar, with valine, which is neutral and non-polar, at codon 698 of the AGL protein (p.Ile698Val). This variant is present in population databases (no rsID available, gnomAD 0.0009%). This variant has not been reported in the literature in individuals affected with AGL-related conditions. Algorithms developed to predict the effect of missense changes on protein structure and function are either unavailable or do not agree on the potential impact of this missense change (SIFT: "Deleterious"; PolyPhen-2: "Possibly Damaging"; Align-GVGD: "Class C0"). In summary, the available evidence is currently insufficient to determine the role of this variant in disease. Therefore, it has been classified as a Variant of Uncertain Significance.

NM_000642.3(AGL):c.2092A>G (p.Ile698Val)

Gene: AGL (amylo-alpha-1,6-glucosidase and 4-alpha-glucanotransferase; plus strand). Cytogenetic location: 1p21.2.
Variant type: single nucleotide variant.
Coding change: c.2092A>G on transcript NM_000642.3 (MANE Select); coding-DNA position 2092, A replaced by G.
Protein change: p.Ile698Val; replaces isoleucine 698 with valine.
Molecular consequence: missense variant.
Genome position (GRCh38, 1-based): chr1:99,881,382, A>G. VCF-style: chr1-99881382-A-G. GRCh37 (hg19) VCF-style: chr1-100346938-A-G.
Other names: c.2092A>G, p.Ile698Val (NM_000028.3, NM_000643.3, NM_000644.3 and 2 more transcripts); c.2044A>G, p.Ile682Val (NM_000646.3); c.1891A>G, p.Ile631Val (NM_001425327.1); c.1888A>G, p.Ile630Val (NM_001425328.1, NM_001425329.1); c.1714A>G, p.Ile572Val (NM_001425332.1); short protein forms I698V, I682V, I572V, I630V, I631V.
Identifiers: ClinVar variation 1412288 (VCV001412288.5), dbSNP rs1257346542, ClinGen allele CA341319074.